The following is an entry in ClinVar:

ClinVar aggregate classification (germline): Uncertain significance (1 of 4 stars; one submission).

Conditions:
Kabuki syndrome. Also called: Kabuki make-up syndrome; NIIKAWA-KUROKI SYNDROME. Identifiers: Orphanet 2322, MedGen C0796004, MONDO:0016512.

Submission:

Labcorp Genetics (formerly Invitae), Labcorp
Classification: Uncertain significance for Kabuki syndrome. Last evaluated: 2023-12-30. Review status: criteria provided, single submitter. Criteria: Invitae Variant Classification Sherloc (09022015). Collection method: clinical testing. Allele origin: germline.
Comment: This sequence change replaces glutamic acid, which is acidic and polar, with aspartic acid, which is acidic and polar, at codon 905 of the KMT2D protein (p.Glu905Asp). This variant is not present in population databases (gnomAD no frequency). This variant has not been reported in the literature in individuals affected with KMT2D-related conditions. Advanced modeling of protein sequence and biophysical properties (such as structural, functional, and spatial information, amino acid conservation, physicochemical variation, residue mobility, and thermodynamic stability) performed at Invitae indicates that this missense variant is not expected to disrupt KMT2D protein function with a negative predictive value of 95%. In summary, the available evidence is currently insufficient to determine the role of this variant in disease. Therefore, it has been classified as a Variant of Uncertain Significance.

NM_003482.4(KMT2D):c.2715A>C (p.Glu905Asp)

Gene: KMT2D (lysine methyltransferase 2D; minus strand). Cytogenetic location: 12q13.12.
Variant type: single nucleotide variant.
Coding change: c.2715A>C on transcript NM_003482.4 (MANE Select); coding-DNA position 2715, A replaced by C.
Protein change: p.Glu905Asp; replaces glutamic acid 905 with aspartic acid.
Molecular consequence: missense variant.
Genome position (GRCh38, 1-based): chr12:49,050,968, T>G on the plus strand (A>C on the coding strand, the complement: KMT2D is on the minus strand). VCF-style: chr12-49050968-T-G. GRCh37 (hg19) VCF-style: chr12-49444751-T-G.
Other names: short protein forms E905D.
Identifiers: ClinVar variation 2706596 (VCV002706596.3), dbSNP rs749921749, ClinGen allele CA384664577.